The following is an entry in ClinVar:

NM_001370259.2(MEN1):c.1106A>G (p.Asn369Ser)

Gene: MEN1 (menin 1; minus strand). Cytogenetic location: 11q13.1.
Variant type: single nucleotide variant.
Coding change: c.1106A>G on transcript NM_001370259.2 (MANE Select); coding-DNA position 1106, A replaced by G.
Protein change: p.Asn369Ser; replaces asparagine 369 with serine.
Molecular consequence: missense variant.
Genome position (GRCh38, 1-based): chr11:64,805,714, T>C on the plus strand (A>G on the coding strand, the complement: MEN1 is on the minus strand). VCF-style: chr11-64805714-T-C. GRCh37 (hg19) VCF-style: chr11-64573186-T-C.
Other names: c.1121A>G, p.Asn374Ser (NM_000244.4, NM_130800.3, NM_130801.3 and 3 more transcripts); c.1232A>G, p.Asn411Ser (NM_001370251.2); c.1106A>G, p.Asn369Ser (NM_001370260.2, NM_001370261.2, NM_130799.3); c.1001A>G, p.Asn334Ser (NM_001370262.2, NM_001370263.2); short protein forms N334S, N369S, N374S, N411S.
Identifiers: ClinVar variation 945809 (VCV000945809.7), dbSNP rs1368034727, ClinGen allele CA381182595.
Genomic context (GRCh38, chr11:64,805,714, plus strand): 5'-CGCTCCTCGCCCGCCTCCAGCAAGCTGGCTGCCTCCTTCAGCAGGTTGGGGATGACATCA[T>C]TGGCTACTTCAAAGAACTCCTTGTAGATCTCCTCGTCTTCCCGGCAGTAGTTGTAGCTGT-3'
Protein context (NP_001357188.2, residues 359-379): EIYKEFFEVA[Asn369Ser]DVIPNLLKEA

ClinVar aggregate classification (germline): Uncertain significance (1 of 4 stars; one submission).

Conditions:
Multiple endocrine neoplasia, type 1 (MEN1). Also called: MEN I; WERMER SYNDROME; Endocrine adenomatosis multiple; MEN 1; MEA I. Identifiers: Orphanet 652, MedGen C0025267, MeSH D018761, MONDO:0007540, OMIM 131100.

Submission:

Labcorp Genetics (formerly Invitae), Labcorp
Classification: Uncertain significance for Multiple endocrine neoplasia, type 1. Last evaluated: 2025-11-18. Review status: criteria provided, single submitter. Criteria: Invitae Variant Classification Sherloc (09022015). Collection method: clinical testing. Allele origin: germline.
Comment: This sequence change replaces asparagine, which is neutral and polar, with serine, which is neutral and polar, at codon 369 of the MEN1 protein (p.Asn369Ser). The frequency data for this variant in the population databases is considered unreliable, as metrics indicate poor data quality at this position in the gnomAD database. This variant has not been reported in the literature in individuals affected with MEN1-related conditions. ClinVar contains an entry for this variant (Variation ID: 945809). Invitae Evidence Modeling of protein sequence and biophysical properties (such as structural, functional, and spatial information, amino acid conservation, physicochemical variation, residue mobility, and thermodynamic stability) indicates that this missense variant is expected to disrupt MEN1 protein function with a positive predictive value of 95%. In summary, the available evidence is currently insufficient to determine the role of this variant in disease. Therefore, it has been classified as a Variant of Uncertain Significance.